The following is an entry in ClinVar:

NM_019098.5(CNGB3):c.1635T>A (p.Tyr545Ter)

Gene: CNGB3 (cyclic nucleotide gated channel subunit beta 3; minus strand). Cytogenetic location: 8q21.3.
Variant type: single nucleotide variant.
Coding change: c.1635T>A on transcript NM_019098.5 (MANE Select); coding-DNA position 1635, T replaced by A.
Protein change: p.Tyr545Ter; replaces tyrosine 545 with a stop codon.
Molecular consequence: nonsense.
Genome position (GRCh38, 1-based): chr8:86,611,615, A>T on the plus strand (T>A on the coding strand, the complement: CNGB3 is on the minus strand). VCF-style: chr8-86611615-A-T. GRCh37 (hg19) VCF-style: chr8-87623843-A-T.
Other names: short protein forms Y545*.
Identifiers: ClinVar variation 427694 (VCV000427694.2), dbSNP rs1554608319, ClinGen allele CA371438547.
Genomic context (GRCh38, chr8:86,611,615, plus strand): 5'-TAGTTGTGCATTTGAAAAATAGCATGCACTCACCTTTTTGCAGACAAAGTCACCAGGCAA[A>T]TAGAGAACGGATTTCAATCTTAGCAACATGTCATAAATCATCTGTGTATCACAACCCTAT-3'

ClinVar aggregate classification (germline): Pathogenic. Review status: criteria provided, single submitter (1 of 4 stars). 2 submissions from 2 submitters: Pathogenic (1). 1 of the submissions does not count toward it. Last evaluated 2026-02-02.

Conditions:
Achromatopsia 3 (ACHM3). Also called: ACHROMATOPSIA WITH MYOPIA; PINGELAPESE BLINDNESS; TOTAL COLORBLINDNESS WITH MYOPIA; ROD MONOCHROMACY 1; ROD MONOCHROMATISM 1. Identifiers: Orphanet 49382, MedGen C1849792, MONDO:0009875, OMIM 262300.

Submissions (2):

Myriad Genetics, Inc.
Classification: Pathogenic for Achromatopsia 3. Last evaluated: 2026-02-02. Review status: criteria provided, single submitter. Criteria: Myriad Autosomal Dominant, Autosomal Recessive and X-Linked Classification Criteria (2023). Collection method: clinical testing. Allele origin: unknown.
Comment: NM_019098.4(CNGB3):c.1635T>A(Y545*) is a nonsense variant classified as pathogenic in the context of achromatopsia, CNGB3-related. Y545* has been observed in cases with relevant disease (PMID: 15712225, 15657609, 31544997). Relevant functional assessments of this variant are not available in the literature. Y545* has not been observed in referenced population frequency databases. In summary, NM_019098.4(CNGB3):c.1635T>A(Y545*) is a nonsense variant in a gene where loss of function is a known mechanism of disease, is predicted to disrupt protein function, and has been observed more frequently in cases with the relevant disease than in healthy populations. Please note: this variant was assessed in the context of healthy population screening.

Molecular Genetics Laboratory, Institute for Ophthalmic Research
Classification: Pathogenic for ACHM3. Last evaluated: 2017-03-27. Review status: no assertion criteria provided. Collection method: research. Allele origin: germline. Affected: yes. Not counted in ClinVar's aggregate classification.

Literature cited by the submitters: PubMed 15657609 (cited by Myriad Genetics, Inc.); PubMed 15712225 (cited by Myriad Genetics, Inc.); PubMed 31544997 (cited by Myriad Genetics, Inc.); PubMed 28795510 (cited by Molecular Genetics Laboratory, Institute for Ophthalmic Research).